The following is an entry in ClinVar:

NM_000639.3(FASLG):c.737G>A (p.Gly246Glu)

Gene: FASLG (Fas ligand; plus strand). Cytogenetic location: 1q24.3.
Variant type: single nucleotide variant.
Coding change: c.737G>A on transcript NM_000639.3 (MANE Select); coding-DNA position 737, G replaced by A.
Protein change: p.Gly246Glu; replaces glycine 246 with glutamic acid.
Molecular consequence: missense variant. On other transcripts: 3 prime UTR variant (1).
Genome position (GRCh38, 1-based): chr1:172,665,907, G>A. VCF-style: chr1-172665907-G-A. GRCh37 (hg19) VCF-style: chr1-172635047-G-A.
Other names: c.*307G>A (NM_001302746.2); short protein forms G246E.
Identifiers: ClinVar variation 4804567 (VCV004804567.1).

ClinVar aggregate classification (germline): Uncertain significance (1 of 4 stars; one submission).

Conditions:
Autoimmune lymphoproliferative syndrome type 1. Also called: AUTOIMMUNE LYMPHOPROLIFERATIVE SYNDROME, TYPE I, AUTOSOMAL DOMINANT. Identifiers: Orphanet 3261, MedGen C2717884, MONDO:0011158, OMIM 601859.

Submission:

Labcorp Genetics (formerly Invitae), Labcorp
Classification: Uncertain significance for Autoimmune lymphoproliferative syndrome. Last evaluated: 2025-05-15. Review status: criteria provided, single submitter. Criteria: Invitae Variant Classification Sherloc (09022015). Collection method: clinical testing. Allele origin: germline.
Comment: This sequence change replaces glycine, which is neutral and non-polar, with glutamic acid, which is acidic and polar, at codon 246 of the FASLG protein (p.Gly246Glu). This variant is not present in population databases (gnomAD no frequency). This variant has not been reported in the literature in individuals affected with FASLG-related conditions. Invitae Evidence Modeling of protein sequence and biophysical properties (such as structural, functional, and spatial information, amino acid conservation, physicochemical variation, residue mobility, and thermodynamic stability) indicates that this missense variant is expected to disrupt FASLG protein function with a positive predictive value of 80%. In summary, the available evidence is currently insufficient to determine the role of this variant in disease. Therefore, it has been classified as a Variant of Uncertain Significance.